The following is an entry in ClinVar:

NM_018359.5(UFSP2):c.237T>C (p.Ser79=)

Genes: CFAP96 (cilia and flagella associated protein 96; plus strand), UFSP2 (UFM1 specific peptidase 2; minus strand). Cytogenetic location: 4q35.1.
Variant type: single nucleotide variant.
Coding change: c.237T>C on transcript NM_018359.5 (MANE Select); coding-DNA position 237, T replaced by C.
Protein change: p.Ser79=; no amino-acid change (serine 79 retained).
Molecular consequence: synonymous variant. On other transcripts: non-coding transcript variant (2).
Genome position (GRCh38, 1-based): chr4:185,418,616, A>G on the plus strand (T>C on the coding strand, the complement: UFSP2 is on the minus strand). VCF-style: chr4-185418616-A-G. GRCh37 (hg19) VCF-style: chr4-186339770-A-G.
Identifiers: ClinVar variation 709775 (VCV000709775.7), dbSNP rs78119878, ClinGen allele CA3158668.

ClinVar aggregate classification (germline): Benign. Review status: criteria provided, multiple submitters, no conflicts (2 of 4 stars). 3 submissions from 3 submitters: Benign (2). 1 of the submissions does not count toward it. Last evaluated 2019-12-31.

Conditions:
UFSP2-related disorder. Also called: UFSP2-related condition.

Allele frequency attached by ClinVar (database versions not stated): gnomAD exomes 0.00040 and 0.00117; ExAC 0.00140; gnomAD 0.00456 and 0.00482; ESP Exome Variant Server 0.00484; 1000 Genomes Project 0.00499; TOPMed 0.00527; 1000 Genomes Project 30x 0.00547.
gnomAD v4.1: 1,301 of 1,613,602 alleles (0.081%); highest among the groups gnomAD compares: African/African-American, 1.5%; 14 homozygotes.

Submissions (3):

Labcorp Genetics (formerly Invitae), Labcorp
Classification: Benign. Last evaluated: 2019-12-31. Review status: criteria provided, single submitter. Criteria: Invitae Variant Classification Sherloc (09022015). Collection method: clinical testing. Allele origin: germline.

Breakthrough Genomics
Classification: Benign. Review status: criteria provided, single submitter. Criteria: ACMG Guidelines, 2015. Collection method: not provided. Allele origin: germline. Inheritance: Autosomal recessive inheritance. Affected: yes.

PreventionGenetics, part of Exact Sciences
Classification: Benign for UFSP2-related condition. Last evaluated: 2019-04-30. Review status: no assertion criteria provided. Collection method: clinical testing. Allele origin: germline. Not counted in ClinVar's aggregate classification.
Comment: This variant is classified as benign based on ACMG/AMP sequence variant interpretation guidelines (Richards et al. 2015 PMID: 25741868, with internal and published modifications).